The following is an entry in ClinVar:

ClinVar aggregate classification (germline): Uncertain significance (1 of 4 stars; one submission).

Conditions:
Amyotrophic lateral sclerosis type 1 (ALS1). Also called: AMYOTROPHIC LATERAL SCLEROSIS 1, FAMILIAL. Identifiers: Orphanet 803, MedGen C1862939, MONDO:0007103, OMIM 105400.

Allele frequency attached by ClinVar (database versions not stated): gnomAD exomes below 0.00001.
gnomAD v4.1: 7 of 1,614,092 alleles (0.00043%); highest among the groups gnomAD compares: Non-Finnish European, 0.00059%; no homozygotes.

Submission:

Labcorp Genetics (formerly Invitae), Labcorp
Classification: Uncertain significance for Amyotrophic lateral sclerosis type 1. Last evaluated: 2023-05-06. Review status: criteria provided, single submitter. Criteria: Invitae Variant Classification Sherloc (09022015). Collection method: clinical testing. Allele origin: germline.
Comment: This sequence change replaces alanine, which is neutral and non-polar, with valine, which is neutral and non-polar, at codon 96 of the SOD1 protein (p.Ala96Val). This variant is not present in population databases (gnomAD no frequency). This missense change has been observed in individual(s) with amyotrophic lateral sclerosis and/or clinical features of autosomal dominant SOD1-related conditions (PMID: 14506936; Invitae). This variant is also known as A95V. ClinVar contains an entry for this variant (Variation ID: 1430718). In summary, the available evidence is currently insufficient to determine the role of this variant in disease. Therefore, it has been classified as a Variant of Uncertain Significance. Experimental studies have shown that this missense change affects SOD1 function (PMID: 23280792). Advanced modeling of protein sequence and biophysical properties (such as structural, functional, and spatial information, amino acid conservation, physicochemical variation, residue mobility, and thermodynamic stability) performed at Invitae indicates that this missense variant is expected to disrupt SOD1 protein function.

Literature cited by the submitters: PubMed 14506936; PubMed 23280792.

NM_000454.5(SOD1):c.287C>T (p.Ala96Val)

Gene: SOD1 (superoxide dismutase 1; plus strand). Cytogenetic location: 21q22.11.
Variant type: single nucleotide variant.
Coding change: c.287C>T on transcript NM_000454.5 (MANE Select); coding-DNA position 287, C replaced by T.
Protein change: p.Ala96Val; replaces alanine 96 with valine.
Molecular consequence: missense variant.
Genome position (GRCh38, 1-based): chr21:31,667,305, C>T. VCF-style: chr21-31667305-C-T. GRCh37 (hg19) VCF-style: chr21-33039618-C-T.
Other names: short protein forms A96V.
Identifiers: ClinVar variation 1430718 (VCV001430718.6), dbSNP rs1568810690, ClinGen allele CA410037470.
Genomic context (GRCh38, chr21:31,667,305, plus strand): 5'-TTTTCATTATTAGGCATGTTGGAGACTTGGGCAATGTGACTGCTGACAAAGATGGTGTGG[C>T]CGATGTGTCTATTGAAGATTCTGTGATCTCACTCTCAGGAGACCATTGCATCATTGGCCG-3'
Protein context (NP_000445.1, residues 86-106): GNVTADKDGV[Ala96Val]DVSIEDSVIS